The following is an entry in ClinVar:

NM_000218.3(KCNQ1):c.1588C>T (p.Gln530Ter)

Gene: KCNQ1 (potassium voltage-gated channel subfamily Q member 1; plus strand). Cytogenetic location: 11p15.5.
Variant type: single nucleotide variant.
Coding change: c.1588C>T on transcript NM_000218.3 (MANE Select); coding-DNA position 1588, C replaced by T.
Protein change: p.Gln530Ter; replaces glutamine 530 with a stop codon.
Molecular consequence: nonsense.
Genome position (GRCh38, 1-based): chr11:2,768,917, C>T. VCF-style: chr11-2768917-C-T. GRCh37 (hg19) VCF-style: chr11-2790147-C-T.
Other names: p.Q530*:CAG>TAG; p.Gln530*; c.1492C>T, p.Gln498Ter (NM_001406836.1); c.1318C>T, p.Gln440Ter (NM_001406837.1); c.1048C>T, p.Gln350Ter (NM_001406838.1); c.1207C>T, p.Gln403Ter (NM_181798.2); short protein forms Q530*, Q403*, Q440*, Q498*, Q350*.
Identifiers: ClinVar variation 52996 (VCV000052996.44), dbSNP rs397508097, ClinGen allele CA005967.
Genomic context (GRCh38, chr11:2,768,917, plus strand): 5'-CATCGGGCCACCATTAAGGTCATTCGACGCATGCAGTACTTTGTGGCCAAGAAGAAATTC[C>T]AGGTAAGCCCTGTGCTGAGCCTTCCTGCCCTCAGCCTGCCCCTCGCAGCCTGATGCAGCT-3'

ClinVar aggregate classification (germline): Pathogenic. Review status: criteria provided, multiple submitters, no conflicts (2 of 4 stars). 20 submissions from 20 submitters: Pathogenic (17). 3 of the submissions do not count toward it. Last evaluated 2026-02-01.

Conditions:
Cardiac arrhythmia. Also called: Cardiac rhythm disease; Arrhythmia. Identifiers: MedGen C0003811, MONDO:0007263, HP:0011675.
KCNQ1-related disorder. Also called: KCNQ1-related disorders; KCNQ1-related condition. Identifiers: MedGen CN239322.
Cardiovascular phenotype. Identifiers: MedGen CN230736.
Long QT syndrome 1 (LQT1). Identifiers: Orphanet 101016, Orphanet 768, MedGen C4551647, MONDO:0100316, OMIM 192500, MONDO:0008646.
Short QT syndrome type 2. Identifiers: Orphanet 51083, MedGen C1865019, MONDO:0012313, OMIM 609621.
Atrial fibrillation, familial, 3 (ATFB3). Identifiers: MedGen C1837014, MONDO:0011857, OMIM 607554.
Beckwith-Wiedemann syndrome (BWS). Also called: Exomphalos macroglossia gigantism syndrome; EMG SYNDROME. Identifiers: Orphanet 116, MedGen C0004903, MONDO:0007534, OMIM 130650.
Jervell and Lange-Nielsen syndrome 1 (JLNS1). Also called: CARDIOAUDITORY SYNDROME OF JERVELL AND LANGE-NIELSEN; DEAFNESS, CONGENITAL, AND FUNCTIONAL HEART DISEASE; PROLONGED QT INTERVAL IN EKG AND SUDDEN DEATH; SURDO-CARDIAC SYNDROME. Identifiers: Orphanet 768, Orphanet 90647, MedGen C4551509, MONDO:0024540, OMIM 220400.
Long QT syndrome (LQTS). Identifiers: MedGen C0023976, MeSH D008133, MONDO:0002442. Disease mechanism: loss of function. Inheritance: Various modes of inheritance.

Allele frequency attached by ClinVar (database versions not stated): gnomAD 0.00001; TOPMed 0.00002; gnomAD exomes 0.00003; ExAC 0.00005.
gnomAD v4.1: 55 of 1,613,094 alleles (0.0034%); highest among the groups gnomAD compares: Non-Finnish European, 0.0045%; no homozygotes.

Submissions 1 to 7 of 20:

Labcorp Genetics (formerly Invitae), Labcorp
Classification: Pathogenic for Long QT syndrome. Last evaluated: 2026-02-01. Review status: criteria provided, single submitter. Criteria: Invitae Variant Classification Sherloc (09022015). Collection method: clinical testing. Allele origin: germline.
Comment: This sequence change creates a premature translational stop signal (p.Gln530*) in the KCNQ1 gene. It is expected to result in an absent or disrupted protein product. Loss-of-function variants in KCNQ1 are known to be pathogenic (PMID: 9323054, 19862833). This variant is present in population databases (rs397508097, gnomAD 0.006%). This premature translational stop signal has been observed in individuals with Jervell and Lange-Nielsen syndrome and/or long QT syndrome (PMID: 11530100, 14510661, 14678125, 15051636, 19716085, 22629021, 23392653, 24606995, 24912595). ClinVar contains an entry for this variant (Variation ID: 52996). For these reasons, this variant has been classified as Pathogenic.

Variantyx, Inc.
Classification: Pathogenic for Long QT syndrome 1. Last evaluated: 2025-11-16. Review status: criteria provided, single submitter. Criteria: Variantyx Assertion Criteria 2022. Collection method: clinical testing. Allele origin: germline. Inheritance: Autosomal dominant inheritance. Affected: yes.
Comment: This is a nonsense variant in the KCNQ1 gene (OMIM: 607542). Pathogenic variants in this gene have been associated with autosomal dominant long QT syndrome 1. This variant introduces a premature termination codon in exon 12 out of 16 and is expected to result in loss of function, which is a known disease mechanism for KCNQ1 in this disorder (PMID: 23098067, 29532034, 26669661) (PVS1). This variant has been reported in many affected individuals (PMID: 11530100, 23174487, 19716085, 36411388) (PS4). Functional studies have shown that this variant alters KCNQ1 protein function (PMID: 15051636) (PS3). It has a 0.0045% maximum allele frequency in non-founder control populations. Based on the CSPEC guidelines, this variant is classified as pathogenic for autosomal dominant long QT syndrome 1, with the following lines of evidence: PVS1, PS4, PS3.

Mayo Clinic Laboratories, Mayo Clinic
Classification: Pathogenic. Last evaluated: 2025-09-18. Review status: criteria provided, single submitter. Criteria: ACMG Guidelines, 2015. Collection method: clinical testing. Allele origin: germline. Observed: 3 variant alleles.
Comment: PM2_supporting, PS3_moderate, PS4, PVS1

Molecular Diagnostic Laboratory for Inherited Cardiovascular Disease, Montreal Heart Institute
Classification: Pathogenic for Cardiovascular phenotype. Last evaluated: 2025-08-27. Review status: criteria provided, single submitter. Criteria: ACMG Guidelines, 2015. Collection method: clinical testing. Allele origin: germline. Affected: yes.
Comment: PVS1, PS3, PS4, PP1_strong, PM2, PM3

Ambry Genetics
Classification: Pathogenic for Cardiovascular phenotype. Last evaluated: 2025-05-16. Review status: criteria provided, single submitter. Criteria: Ambry Variant Classification Scheme 2023. Collection method: clinical testing. Allele origin: germline.
Comment: The p.Q530* pathogenic mutation (also known as c.1588C>T), located in coding exon 12 of the KCNQ1 gene, results from a C to T substitution at nucleotide position 1588. This changes the amino acid from a glutamine to a stop codon within coding exon 12. This variant was reported in individual(s) with features consistent with long QT syndrome, and has been identified in the homozygous state and/or in conjunction with other KCNQ1 variant(s) in individual(s) with features consistent with Jervell and Lange-Nielsen syndrome (Tranebjaerg L et al. Am J Med Genet. 1999;89:137-46; Huang L et al. Cardiovasc Res. 2001;51:670-80; Ning L et al. Ann Noninvasive Electrocardiol. 2003;8:246-50; Zareba W et al. J Cardiovasc Electrophysiol. 2003;14:1149-53; Westenskow P et al. Circulation. 2004;109:1834-41; Giudicessi JR et al. Circ Cardiovasc Genet. 2013;6:193-200; Torekov SS et al. Diabetes. 2014;63:1315-25). In assays testing KCNQ1 function, this variant showed a functionally abnormal result (Huang L et al. Cardiovasc Res. 2001;51:670-80; Wilson AJ et al. Cardiovasc Res. 2005;67:476-86; Harmer SC et al. Biochem J. 2014;462:133-42). This alteration is expected to result in loss of function by premature protein truncation or nonsense-mediated mRNA decay. As such, this alteration is interpreted as a disease-causing mutation.

Blueprint Genetics
Classification: Pathogenic for KCNQ1-related disorders. Last evaluated: 2024-11-21. Review status: criteria provided, single submitter. Criteria: ACMG Guidelines, 2015. Collection method: clinical testing. Allele origin: germline. Affected: yes. Observed: 5 variant alleles.

Victorian Clinical Genetics Services, Murdoch Childrens Research Institute
Classification: Pathogenic for Long QT syndrome 1. Last evaluated: 2024-10-09. Review status: criteria provided, single submitter. Criteria: ACMG Guidelines, 2015. Collection method: clinical testing. Allele origin: germline. Inheritance: Autosomal dominant inheritance.
Comment: Based on the classification scheme VCGS_Germline_v1.3.4, this variant is classified as Pathogenic. Following criteria are met: 0103 - Dominant negative, loss of function and gain of function are known mechanisms of disease in this gene. Gain of function variants result exclusively in short QT syndrome 2 (MIM#609621), while dominant negative and loss of function variants can cause long QT syndrome 1 (LQTS, MIM#192500), familial atrial fibrillation 3 (MIM#607554) as well as Jervell and Lange-Nielsen syndrome (JLNS, MIM#220400) (OMIM, PMIDs: 19632626, 28438721). (I) 0108 - This gene is known to be associated with both recessive and dominant disease. JLNS is characterised by congenital, bilateral deafness and variable degrees of QT prolongation, and is the only condition caused by biallelic variants (PMID: 28438721). (I) 0112 - The condition associated with this gene has incomplete penetrance (OMIM, PMID: 20301308). (I) 0201 - Variant is predicted to cause nonsense-mediated decay (NMD) and loss of protein (premature termination codon is located at least 54 nucleotides upstream of the final exon-exon junction). (SP) 0251 - This variant is heterozygous. (I) 0304 - Variant is present in gnomAD (v2) <0.01 (7 heterozygotes, 0 homozygotes). (SP) 0701 - Other NMD-predicted variants comparable to the one identified in this case have very strong previous evidence for pathogenicity (DECIPHER). (SP) 0801 - This variant has strong previous evidence of pathogenicity in unrelated individuals. This variant has been reported as pathogenic in many individuals with KCNQ1-related features, including in heterozygous individuals with long QT syndrome and individuals with autosomal recessive Jervell and Lange-Nielsen syndrome (ClinVar, VCGS internal database). (SP) 1208 - Inheritance information for this variant is not currently available in this individual. (I) Legend: (SP) - Supporting pathogenic, (I) - Information, (SB) - Supporting benign